The following is an entry in ClinVar:

ClinVar aggregate classification (germline): Likely benign (1 of 4 stars; one submission).

Conditions:
Nephronophthisis-like nephropathy 1 (NPHPL1). Identifiers: Orphanet 655, MedGen C3150419, MONDO:0013163, OMIM 613159.

Allele frequency attached by ClinVar (database versions not stated): gnomAD 0.00222 and 0.00233; TOPMed 0.00255; 1000 Genomes Project 0.00339; 1000 Genomes Project 30x 0.00359.

Submission:

Illumina Laboratory Services, Illumina
Classification: Likely benign for Nephronophthisis-like nephropathy 1. Last evaluated: 2018-01-12. Review status: criteria provided, single submitter. Criteria: ICSL Variant Classification Criteria 13 December 2019. Collection method: clinical testing. Allele origin: germline.
Comment: This variant was observed in the ICSL laboratory as part of a predisposition screen in an ostensibly healthy population. It had not been previously curated by ICSL or reported in the Human Gene Mutation Database (HGMD: prior to June 1st, 2018), and was therefore a candidate for classification through an automated scoring system. Utilizing variant allele frequency, disease prevalence and penetrance estimates, and inheritance mode, an automated score was calculated to assess if this variant is too frequent to cause the disease. Based on the score and internal cut-off values, a variant classified as likely benign is not then subjected to further curation. The score for this variant resulted in a classification of likely benign for this disease.

NM_022098.4(XPNPEP3):c.*1531A>G

Gene: XPNPEP3 (X-prolyl aminopeptidase 3; plus strand). Cytogenetic location: 22q13.2.
Variant type: single nucleotide variant.
Coding change: c.*1531A>G on transcript NM_022098.4 (MANE Select); 1531 bases downstream of the stop codon, A replaced by G.
Molecular consequence: 3 prime UTR variant.
Genome position (GRCh38, 1-based): chr22:40,927,966, A>G. VCF-style: chr22-40927966-A-G. GRCh37 (hg19) VCF-style: chr22-41323970-A-G.
Identifiers: ClinVar variation 900078 (VCV000900078.4), dbSNP rs145932052, ClinGen allele CA324453159.